The following is an entry in ClinVar:

NM_006904.7(PRKDC):c.9439A>G (p.Lys3147Glu)

Gene: PRKDC (protein kinase, DNA-activated, catalytic subunit; minus strand). Cytogenetic location: 8q11.21.
Variant type: single nucleotide variant.
Coding change: c.9439A>G on transcript NM_006904.7 (MANE Select); coding-DNA position 9439, A replaced by G.
Protein change: p.Lys3147Glu; replaces lysine 3147 with glutamic acid.
Molecular consequence: missense variant.
Genome position (GRCh38, 1-based): chr8:47,819,408, T>C on the plus strand (A>G on the coding strand, the complement: PRKDC is on the minus strand). VCF-style: chr8-47819408-T-C. GRCh37 (hg19) VCF-style: chr8-48731969-T-C.
Other names: c.9439A>G, p.Lys3147Glu (NM_001081640.2); short protein forms K3147E.
Identifiers: ClinVar variation 1510599 (VCV001510599.3), dbSNP rs781530600, ClinGen allele CA4739588.

ClinVar aggregate classification (germline): Uncertain significance (1 of 4 stars; one submission).

Conditions:
Severe combined immunodeficiency due to DNA-PKcs deficiency. Also called: IMMUNODEFICIENCY 26 WITH NEUROLOGIC ABNORMALITIES; Immunodeficiency 26 with or without neurologic abnormalities. Identifiers: Orphanet 317425, MedGen C4014833, MONDO:0014423, OMIM 615966.

Allele frequency attached by ClinVar (database versions not stated): gnomAD 0.00001; ExAC 0.00003; gnomAD exomes 0.00003.
gnomAD v4.1: 10 of 1,525,756 alleles (0.00066%); highest among the groups gnomAD compares: South Asian, 0.013%; no homozygotes.

Submission:

Labcorp Genetics (formerly Invitae), Labcorp
Classification: Uncertain significance for Severe combined immunodeficiency due to DNA-PKcs deficiency. Last evaluated: 2022-02-02. Review status: criteria provided, single submitter. Criteria: Invitae Variant Classification Sherloc (09022015). Collection method: clinical testing. Allele origin: germline.
Comment: This sequence change replaces lysine, which is basic and polar, with glutamic acid, which is acidic and polar, at codon 3147 of the PRKDC protein (p.Lys3147Glu). This variant is present in population databases (rs781530600, gnomAD 0.03%). This variant has not been reported in the literature in individuals affected with PRKDC-related conditions. Experimental studies and prediction algorithms are not available or were not evaluated, and the functional significance of this variant is currently unknown. In summary, the available evidence is currently insufficient to determine the role of this variant in disease. Therefore, it has been classified as a Variant of Uncertain Significance.